The following is an entry in ClinVar:

NM_003470.3(USP7):c.80-6195G>A

Gene: USP7 (ubiquitin specific peptidase 7; minus strand). Cytogenetic location: 16p13.2.
Variant type: single nucleotide variant.
Coding change: c.80-6195G>A on transcript NM_003470.3 (MANE Select); 6195 bases into the intron before coding-DNA position 80, G replaced by A.
Molecular consequence: intron variant. On other transcripts: missense variant (1), 5 prime UTR variant (1).
Genome position (GRCh38, 1-based): chr16:8,936,592, C>T on the plus strand (G>A on the coding strand, the complement: USP7 is on the minus strand). VCF-style: chr16-8936592-C-T. GRCh37 (hg19) VCF-style: chr16-9030449-C-T.
Other names: c.22G>A, p.Gly8Arg (NM_001286457.2); c.-403G>A (NM_001286458.2); c.-95-6195G>A (NM_001321858.2); short protein forms G8R.
Identifiers: ClinVar variation 3031791 (VCV003031791.3), dbSNP rs1596400428, ClinGen allele CA394708466.

ClinVar aggregate classification (germline): Uncertain significance (1 of 4 stars; one submission).

Conditions:
USP7-related disorder. Also called: USP7-related condition.

Allele frequency attached by ClinVar (database versions not stated): gnomAD exomes below 0.00001.
gnomAD v4.1: 1 of 1,550,726 alleles (0.000064%); highest among the groups gnomAD compares: South Asian, 0.0012%; no homozygotes.

Submission:

PreventionGenetics, part of Exact Sciences
Classification: Uncertain significance for USP7-related condition. Last evaluated: 2026-08-07. Review status: criteria provided, single submitter. Criteria: ACMG Guidelines, 2015. Collection method: clinical testing. Allele origin: germline.
Comment: The USP7 c.22G>A variant is predicted to result in the amino acid substitution p.Gly8Arg. To our knowledge, this variant has not been reported in the literature or in a large population database (gnomAD), indicating this variant is rare. At this time, the clinical significance of this variant is uncertain due to the absence of conclusive functional and genetic evidence.